The following is an entry in ClinVar:

NM_000548.5(TSC2):c.1287T>A (p.Tyr429Ter)

Gene: TSC2 (TSC complex subunit 2; plus strand). Cytogenetic location: 16p13.3.
Variant type: single nucleotide variant.
Coding change: c.1287T>A on transcript NM_000548.5 (MANE Select); coding-DNA position 1287, T replaced by A.
Protein change: p.Tyr429Ter; replaces tyrosine 429 with a stop codon.
Molecular consequence: nonsense.
Genome position (GRCh38, 1-based): chr16:2,062,526, T>A. VCF-style: chr16-2062526-T-A. GRCh37 (hg19) VCF-style: chr16-2112527-T-A.
Other names: c.1287T>A, p.Tyr429Ter (NM_001077183.3, NM_001114382.3, NM_001363528.2 and 3 more transcripts); c.1176T>A, p.Tyr392Ter (NM_001318827.2); c.1140T>A, p.Tyr380Ter (NM_001318829.2); c.687T>A, p.Tyr229Ter (NM_001318831.2); c.1320T>A, p.Tyr440Ter (NM_001318832.2); short protein forms Y429*, Y392*, Y440*, Y229*, Y380*.
Identifiers: ClinVar variation 451112 (VCV000451112.2), dbSNP rs45493394, ClinGen allele CA394322020.

ClinVar aggregate classification (germline): Pathogenic (1 of 4 stars; one submission).

Submission:

GeneDx
Classification: Pathogenic. Last evaluated: 2017-08-01. Review status: criteria provided, single submitter. Criteria: GeneDx Variant Classification (06012015). Collection method: clinical testing. Allele origin: germline. Affected: yes.
Comment: The Y429X nonsense variant in the TSC2 gene is predicted to cause loss of normal protein function either through protein truncation or nonsense-mediated mRNA decay. The Y429X variant is not observed in large population cohorts (Lek et al., 2016; 1000 Genomes Consortium et al., 2015; Exome Variant Server). A nonsense variant at the same residue [c.1287T>G (p.Y429X)] has been previously reported as a sporadic variant in an individual with tuberous sclerosis complex (Au et al., 2007).